The following is an entry in ClinVar:

ClinVar aggregate classification (germline): Uncertain significance (1 of 4 stars; one submission).

Conditions:
Dyskeratosis congenita. Identifiers: Orphanet 1775, MedGen C0265965, MONDO:0015780.

gnomAD v4.1: 3 of 1,613,858 alleles (0.00019%); highest among the groups gnomAD compares: South Asian, 0.0011%; no homozygotes.

Submission:

Labcorp Genetics (formerly Invitae), Labcorp
Classification: Uncertain significance for Dyskeratosis congenita. Last evaluated: 2022-10-03. Review status: criteria provided, single submitter. Criteria: Invitae Variant Classification Sherloc (09022015). Collection method: clinical testing. Allele origin: germline.
Comment: Algorithms developed to predict the effect of missense changes on protein structure and function are either unavailable or do not agree on the potential impact of this missense change (SIFT: "Deleterious"; PolyPhen-2: "Possibly Damaging"; Align-GVGD: "Class C0"). In summary, the available evidence is currently insufficient to determine the role of this variant in disease. Therefore, it has been classified as a Variant of Uncertain Significance. This variant has not been reported in the literature in individuals affected with NHP2-related conditions. This variant is not present in population databases (gnomAD no frequency). This sequence change replaces proline, which is neutral and non-polar, with leucine, which is neutral and non-polar, at codon 152 of the NHP2 protein (p.Pro152Leu).

NM_017838.4(NHP2):c.455C>T (p.Pro152Leu)

Genes: NHP2 (NHP2 ribonucleoprotein; minus strand), RMND5B (required for meiotic nuclear division 5 homolog B; plus strand). Cytogenetic location: 5q35.3.
Variant type: single nucleotide variant.
Coding change: c.455C>T on transcript NM_017838.4 (MANE Select); coding-DNA position 455, C replaced by T.
Protein change: p.Pro152Leu; replaces proline 152 with leucine.
Molecular consequence: missense variant. On other transcripts: 3 prime UTR variant (5).
Genome position (GRCh38, 1-based): chr5:178,149,720, G>A on the plus strand (C>T on the coding strand, the complement: NHP2 is on the minus strand). VCF-style: chr5-178149720-G-A. GRCh37 (hg19) VCF-style: chr5-177576721-G-A.
Other names: c.*76C>T (NM_001034833.2, NM_001396110.1); c.*1688G>A (NM_001288794.2, NM_001288795.2, NM_022762.5); short protein forms P152L.
Identifiers: ClinVar variation 2096625 (VCV002096625.4), dbSNP rs1417164552, ClinGen allele CA362390910.